The following is an entry in ClinVar:

NM_007294.4(BRCA1):c.5169T>C (p.Ile1723=)

Gene: BRCA1 (BRCA1 DNA repair associated; minus strand). Cytogenetic location: 17q21.31.
Variant type: single nucleotide variant.
Coding change: c.5169T>C on transcript NM_007294.4 (MANE Select); coding-DNA position 5169, T replaced by C.
Protein change: p.Ile1723=; no amino-acid change (isoleucine 1723 retained).
Molecular consequence: synonymous variant.
Genome position (GRCh38, 1-based): chr17:43,063,357, A>G on the plus strand (T>C on the coding strand, the complement: BRCA1 is on the minus strand). VCF-style: chr17-43063357-A-G. GRCh37 (hg19) VCF-style: chr17-41215374-A-G.
Other names: c.1647T>C, p.Ile549= (NM_001408483.1, NM_001408484.1, NM_001408485.1 and 5 more transcripts); c.1644T>C, p.Ile548= (NM_001408492.1, NM_001408493.1); c.1620T>C, p.Ile540= (NM_001408494.1); c.1614T>C, p.Ile538= (NM_001408495.1); c.1596T>C, p.Ile532= (NM_001408496.1, NM_001408497.1, NM_001408498.1 and 3 more transcripts); c.1593T>C, p.Ile531= (NM_001408502.1, NM_001408503.1, NM_001408504.1); c.1590T>C, p.Ile530= (NM_001408505.1); c.1533T>C, p.Ile511= (NM_001408506.1); and 72 more.
Identifiers: ClinVar variation 867431 (VCV000867431.3), dbSNP rs2051864221, ClinGen allele CA500146050.
Genomic context (GRCh38, chr17:43,063,357, plus strand): 5'-AATATCTCTGGTTAGTTTGTAACATCAAGTACTTACCTCATTCAGCATTTTTCTTTCTTT[A>G]ATAGACTGGGTCACCCCTAAAGAGATCATAGAAAAGACAGGTTACATACAGCAGAAGAAC-3'
Protein context (NP_009225.1, residues 1713-1733): VVSYFWVTQS[Ile1723=]KERKMLNEHD

Conditions:
Breast-ovarian cancer, familial, susceptibility to, 1 (BROVCA1). Also called: BRCA1 Hereditary Breast and Ovarian Cancer; OVARIAN CANCER, SUSCEPTIBILITY TO. Identifiers: Orphanet 145, MedGen C2676676, MONDO:0011450, OMIM 604370. Disease mechanism: loss of function.

Allele frequency attached by ClinVar (database versions not stated): gnomAD exomes below 0.00001.
gnomAD v4.1: 1 of 1,611,698 alleles (0.000062%); highest among the groups gnomAD compares: Non-Finnish European, 0.000085%; no homozygotes.

Submission:

Brotman Baty Institute, University of Washington
No classification provided (evidence only). Condition: Breast-ovarian cancer, familial 1. Review status: no classification provided. Collection method: in vitro. Allele origin: not applicable. Functional consequence: functionally_normal.
ClinVar note: "not provided" was previously submitted as the classification for the variant. However, the classification appeared to be based only on an observation of functional data so it was converted to no classification on 2025-07-30.